The following is an entry in ClinVar:

NM_001558.4(IL10RA):c.536C>T (p.Thr179Met)

Gene: IL10RA (interleukin 10 receptor subunit alpha; plus strand). Cytogenetic location: 11q23.3.
Variant type: single nucleotide variant.
Coding change: c.536C>T on transcript NM_001558.4 (MANE Select); coding-DNA position 536, C replaced by T.
Protein change: p.Thr179Met; replaces threonine 179 with methionine.
Molecular consequence: missense variant. On other transcripts: non-coding transcript variant (1).
Genome position (GRCh38, 1-based): chr11:117,993,409, C>T. VCF-style: chr11-117993409-C-T. GRCh37 (hg19) VCF-style: chr11-117864124-C-T.
Other names: p.Thr179Met; short protein forms T179M.
Identifiers: ClinVar variation 499761 (VCV000499761.13), dbSNP rs564148493, ClinGen allele CA6298967.

ClinVar aggregate classification (germline): Uncertain significance. Review status: criteria provided, multiple submitters, no conflicts (2 of 4 stars). 3 submissions from 3 submitters: Uncertain significance (3). Last evaluated 2025-08-07.

Conditions:
Inflammatory bowel disease 28. Also called: Inflammatory bowel disease 28, early onset, autosomal recessive. Identifiers: Orphanet 238569, MedGen C2751053, MONDO:0013153, OMIM 613148.

Allele frequency attached by ClinVar (database versions not stated): ExAC 0.00003; gnomAD 0.00004 and 0.00006; gnomAD exomes 0.00006 and 0.00008; TOPMed 0.00006; 1000 Genomes Project 30x 0.00016; 1000 Genomes Project 0.00020.
gnomAD v4.1: 122 of 1,613,716 alleles (0.0076%); highest among the groups gnomAD compares: South Asian, 0.016%; 1 homozygote.

Submissions (3):

Mayo Clinic Laboratories, Mayo Clinic
Classification: Uncertain significance. Last evaluated: 2025-08-07. Review status: criteria provided, single submitter. Criteria: ACMG Guidelines, 2015. Collection method: clinical testing. Allele origin: germline. Observed: 2 variant alleles.
Comment: BP4_moderate

Labcorp Genetics (formerly Invitae), Labcorp
Classification: Uncertain significance for Inflammatory bowel disease 28. Last evaluated: 2022-07-11. Review status: criteria provided, single submitter. Criteria: Invitae Variant Classification Sherloc (09022015). Collection method: clinical testing. Allele origin: germline.
Comment: This sequence change replaces threonine, which is neutral and polar, with methionine, which is neutral and non-polar, at codon 179 of the IL10RA protein (p.Thr179Met). This variant is present in population databases (rs564148493, gnomAD 0.03%), including at least one homozygous and/or hemizygous individual. This variant has not been reported in the literature in individuals affected with IL10RA-related conditions. ClinVar contains an entry for this variant (Variation ID: 499761). Algorithms developed to predict the effect of missense changes on protein structure and function output the following: SIFT: "Deleterious"; PolyPhen-2: "Benign"; Align-GVGD: "Class C15". The methionine amino acid residue is found in multiple mammalian species, which suggests that this missense change does not adversely affect protein function. Algorithms developed to predict the effect of sequence changes on RNA splicing suggest that this variant may disrupt the consensus splice site. In summary, the available evidence is currently insufficient to determine the role of this variant in disease. Therefore, it has been classified as a Variant of Uncertain Significance.

Eurofins Ntd Llc (ga)
Classification: Uncertain significance. Last evaluated: 2017-01-26. Review status: criteria provided, single submitter. Criteria: EGL Classification Definitions 2015. Collection method: clinical testing. Allele origin: germline. Observed: 1 variant allele, 1 heterozygote.